The following is an entry in ClinVar:

NM_052957.5(GCNA):c.540C>T (p.Asp180=)

Gene: GCNA (germ cell nuclear acidic peptidase; plus strand). Cytogenetic location: Xq13.1.
Variant type: single nucleotide variant.
Coding change: c.540C>T on transcript NM_052957.5 (MANE Select); coding-DNA position 540, C replaced by T.
Protein change: p.Asp180=; no amino-acid change (aspartic acid 180 retained).
Molecular consequence: synonymous variant.
Genome position (GRCh38, 1-based): chrX:71,603,817, C>T. VCF-style: chrX-71603817-C-T. GRCh37 (hg19) VCF-style: chrX-70823667-C-T.
Identifiers: ClinVar variation 2660886 (VCV002660886.24), dbSNP rs149193424, ClinGen allele CA10448072.

ClinVar aggregate classification (germline): Likely benign (1 of 4 stars; one submission).

Allele frequency attached by ClinVar (database versions not stated): gnomAD 0.00018; gnomAD exomes 0.00025; 1000 Genomes Project 0.00026; ESP Exome Variant Server 0.00028; ExAC 0.00038.
gnomAD v4.1: 312 of 1,205,513 alleles (0.026%); highest among the groups gnomAD compares: South Asian, 0.31%; 2 homozygotes.

Submission:

CeGaT Center for Human Genetics Tuebingen
Classification: Likely benign. Last evaluated: 2023-04-01. Review status: criteria provided, single submitter. Criteria: CeGaT Center For Human Genetics Tuebingen Variant Classification Criteria Version 2. Collection method: clinical testing. Allele origin: germline. Affected: yes. Observed: 2 variant alleles.
Comment: GCNA: BP4, BP7, BS2